The following is an entry in ClinVar:

NM_006929.5(SKIC2):c.848G>A (p.Trp283Ter)

Gene: SKIC2 (SKI2 subunit of superkiller complex; plus strand). Cytogenetic location: 6p21.33.
Variant type: single nucleotide variant.
Coding change: c.848G>A on transcript NM_006929.5 (MANE Select); coding-DNA position 848, G replaced by A.
Protein change: p.Trp283Ter; replaces tryptophan 283 with a stop codon.
Molecular consequence: nonsense.
Genome position (GRCh38, 1-based): chr6:31,961,605, G>A. VCF-style: chr6-31961605-G-A. GRCh37 (hg19) VCF-style: chr6-31929382-G-A.
Other names: short protein forms W283*.
Identifiers: ClinVar variation 30069 (VCV000030069.9), dbSNP rs751026211, ClinGen allele CA3729267.
Genomic context (GRCh38, chr6:31,961,605, plus strand): 5'-AGGAAGCGTCCACAGCTGTATCCACCCCAGAGGCCCCAGAGCCTCCATCTCAGGAGCAGT[G>A]GGCCATCCCTGTGGACGCCACCTCCCCTGTTGGTGATTTCTATCGCCTCATTCCCCAGCC-3'

ClinVar aggregate classification (germline): Pathogenic. Review status: criteria provided, multiple submitters, no conflicts (2 of 4 stars). 3 submissions from 3 submitters: Pathogenic (2). 1 of the submissions does not count toward it. Last evaluated 2025-01-31.

Conditions:
SKIC2-related disorder. Also called: SKIC2-related condition.
Trichohepatoenteric syndrome 2 (THES2). Identifiers: Orphanet 84064, MedGen C3281289, MONDO:0013818, OMIM 614602.

Allele frequency attached by ClinVar (database versions not stated): ExAC 0.00002; gnomAD 0.00002; gnomAD exomes 0.00002; TOPMed 0.00002.
gnomAD v4.1: 26 of 1,612,892 alleles (0.0016%); highest among the groups gnomAD compares: Non-Finnish European, 0.0021%; no homozygotes.

Submissions (3):

Labcorp Genetics (formerly Invitae), Labcorp
Classification: Pathogenic. Last evaluated: 2025-01-31. Review status: criteria provided, single submitter. Criteria: Invitae Variant Classification Sherloc (09022015). Collection method: clinical testing. Allele origin: germline.
Comment: This sequence change creates a premature translational stop signal (p.Trp283*) in the SKIV2L gene. It is expected to result in an absent or disrupted protein product. Loss-of-function variants in SKIV2L are known to be pathogenic (PMID: 22444670). This variant is present in population databases (rs751026211, gnomAD 0.003%). This premature translational stop signal has been observed in individual(s) with trichohepatoenteric syndrome (PMID: 22444670). ClinVar contains an entry for this variant (Variation ID: 30069). For these reasons, this variant has been classified as Pathogenic.

PreventionGenetics, part of Exact Sciences
Classification: Pathogenic for SKIC2-related condition. Last evaluated: 2023-06-02. Review status: criteria provided, single submitter. Criteria: ACMG Guidelines, 2015. Collection method: clinical testing. Allele origin: germline.
Comment: The SKIC2 c.848G>A variant is predicted to result in premature protein termination (p.Trp283*). This variant has been reported to be causative for autosomal recessive trichohepatoenteric syndrome (Fabre et al. 2012. PubMed ID: 22444670; Vély et al. 2018. PubMed ID: 29868001). This variant is reported in 0.0033% of alleles in individuals of South Asian descent in gnomAD. Nonsense variants in SKIC2 are expected to be pathogenic. Taken together, this variant is interpreted as pathogenic.

OMIM
Classification: Pathogenic for TRICHOHEPATOENTERIC SYNDROME 2. Last evaluated: 2012-04-06. Review status: no assertion criteria provided. Collection method: literature only. Allele origin: germline. Not counted in ClinVar's aggregate classification.

Literature cited by the submitters: PubMed 22444670 (cited by Labcorp Genetics (formerly Invitae), Labcorp and OMIM).